The following is an entry in ClinVar:

ClinVar aggregate classification (germline): Uncertain significance (1 of 4 stars; one submission).

Conditions:
Cryopyrin associated periodic syndrome (CAPS). Identifiers: Orphanet 208650, MedGen C2316212, MONDO:0016168.

Allele frequency attached by ClinVar (database versions not stated): gnomAD exomes below 0.00001.
gnomAD v4.1: 4 of 1,614,044 alleles (0.00025%); highest among the groups gnomAD compares: Non-Finnish European, 0.00025%; no homozygotes.

Submission:

Labcorp Genetics (formerly Invitae), Labcorp
Classification: Uncertain significance for Cryopyrin associated periodic syndrome. Last evaluated: 2020-08-25. Review status: criteria provided, single submitter. Criteria: Invitae Variant Classification Sherloc (09022015). Collection method: clinical testing. Allele origin: germline.
Comment: In summary, the available evidence is currently insufficient to determine the role of this variant in disease. Therefore, it has been classified as a Variant of Uncertain Significance. Algorithms developed to predict the effect of missense changes on protein structure and function output the following: SIFT: "Tolerated"; PolyPhen-2: "Benign"; Align-GVGD: "Class C0". The serine amino acid residue is found in multiple mammalian species, suggesting that this missense change does not adversely affect protein function. These predictions have not been confirmed by published functional studies and their clinical significance is uncertain. This variant has not been reported in the literature in individuals with NLRP3-related conditions. This variant is not present in population databases (ExAC no frequency). This sequence change replaces proline with serine at codon 34 of the NLRP3 protein (p.Pro34Ser). The proline residue is moderately conserved and there is a moderate physicochemical difference between proline and serine.

NM_001243133.2(NLRP3):c.94C>T (p.Pro32Ser)

Gene: NLRP3 (NLR family pyrin domain containing 3; plus strand). Cytogenetic location: 1q44.
Variant type: single nucleotide variant.
Coding change: c.94C>T on transcript NM_001243133.2 (MANE Select); coding-DNA position 94, C replaced by T.
Protein change: p.Pro32Ser; replaces proline 32 with serine.
Molecular consequence: missense variant.
Genome position (GRCh38, 1-based): chr1:247,418,894, C>T. VCF-style: chr1-247418894-C-T. GRCh37 (hg19) VCF-style: chr1-247582196-C-T.
Other names: c.94C>T, p.Pro32Ser (NM_001079821.3, NM_001127461.3, NM_001127462.3 and 1 more transcripts); c.100C>T, p.Pro34Ser (NM_004895.5); short protein forms P32S, P34S.
Identifiers: ClinVar variation 999770 (VCV000999770.8), dbSNP rs1662238131, ClinGen allele CA345552213.